The following is an entry in ClinVar:

ClinVar aggregate classification (germline): Uncertain significance (1 of 4 stars; one submission).

Conditions:
Citrullinemia. Identifiers: Orphanet 187, MedGen C0175683, MONDO:0015991.

Submission:

Labcorp Genetics (formerly Invitae), Labcorp
Classification: Uncertain significance for Citrullinemia. Last evaluated: 2022-04-26. Review status: criteria provided, single submitter. Criteria: Invitae Variant Classification Sherloc (09022015). Collection method: clinical testing. Allele origin: germline.
Comment: Algorithms developed to predict the effect of missense changes on protein structure and function are either unavailable or do not agree on the potential impact of this missense change (SIFT: "Deleterious"; PolyPhen-2: "Probably Damaging"; Align-GVGD: "Class C0"). This sequence change replaces tyrosine, which is neutral and polar, with histidine, which is basic and polar, at codon 207 of the ASS1 protein (p.Tyr207His). This variant is not present in population databases (gnomAD no frequency). This variant has not been reported in the literature in individuals affected with ASS1-related conditions. In summary, the available evidence is currently insufficient to determine the role of this variant in disease. Therefore, it has been classified as a Variant of Uncertain Significance.

NM_054012.4(ASS1):c.619T>C (p.Tyr207His)

Gene: ASS1 (argininosuccinate synthase 1; plus strand). Cytogenetic location: 9q34.11.
Variant type: single nucleotide variant.
Coding change: c.619T>C on transcript NM_054012.4 (MANE Select); coding-DNA position 619, T replaced by C.
Protein change: p.Tyr207His; replaces tyrosine 207 with histidine.
Molecular consequence: missense variant.
Genome position (GRCh38, 1-based): chr9:130,476,892, T>C. VCF-style: chr9-130476892-T-C. GRCh37 (hg19) VCF-style: chr9-133352279-T-C.
Other names: c.619T>C, p.Tyr207His (NM_000050.4); short protein forms Y207H.
Identifiers: ClinVar variation 2130826 (VCV002130826.4), dbSNP rs2490581926, ClinGen allele CA375228338.
Genomic context (GRCh38, chr9:130,476,892, plus strand): 5'-TGGTATGTCATCTGCCCACCACTTTCTGTCTTTTTTCAGAACCAAGCGCCTCCAGGTCTC[T>C]ACACGAAGACCCAGGACCCAGCCAAAGCCCCCAACACCCCTGACATTCTCGAGATCGAGT-3'
Protein context (NP_446464.1, residues 197-217): NPKNQAPPGL[Tyr207His]TKTQDPAKAP